The following is an entry in ClinVar:

NM_000088.4(COL1A1):c.4248+3G>A

Gene: COL1A1 (collagen type I alpha 1 chain; minus strand). Cytogenetic location: 17q21.33.
Variant type: single nucleotide variant.
Coding change: c.4248+3G>A on transcript NM_000088.4 (MANE Select); 3 bases into the intron after coding-DNA position 4248, G replaced by A.
Molecular consequence: intron variant.
Genome position (GRCh38, 1-based): chr17:50,185,775, C>T on the plus strand (G>A on the coding strand, the complement: COL1A1 is on the minus strand). VCF-style: chr17-50185775-C-T. GRCh37 (hg19) VCF-style: chr17-48263136-C-T.
Identifiers: ClinVar variation 2815691 (VCV002815691.3), dbSNP rs2509154923, ClinGen allele CA2739268222.

ClinVar aggregate classification (germline): Uncertain significance (1 of 4 stars; one submission).

Conditions:
Osteogenesis imperfecta type I (OI1). Also called: Lobstein disease; Classic Non-deforming Osteogenesis Imperfecta with Blue Sclerae; OI, TYPE I; OSTEOGENESIS IMPERFECTA TARDA; OSTEOGENESIS IMPERFECTA WITH BLUE SCLERAE; Osteogenesis imperfecta type 1. Identifiers: Orphanet 216796, Orphanet 666, MedGen C0023931, MONDO:0008146, OMIM 166200. Disease mechanism: loss of function.

Submission:

Labcorp Genetics (formerly Invitae), Labcorp
Classification: Uncertain significance for Osteogenesis imperfecta type I. Last evaluated: 2024-01-30. Review status: criteria provided, single submitter. Criteria: Invitae Variant Classification Sherloc (09022015). Collection method: clinical testing. Allele origin: germline.
Comment: This sequence change falls in intron 50 of the COL1A1 gene. It does not directly change the encoded amino acid sequence of the COL1A1 protein. It affects a nucleotide within the consensus splice site. This variant is not present in population databases (gnomAD no frequency). This variant has not been reported in the literature in individuals affected with COL1A1-related conditions. Variants that disrupt the consensus splice site are a relatively common cause of aberrant splicing (PMID: 17576681, 9536098). Algorithms developed to predict the effect of sequence changes on RNA splicing suggest that this variant is not likely to affect RNA splicing. In summary, the available evidence is currently insufficient to determine the role of this variant in disease. Therefore, it has been classified as a Variant of Uncertain Significance.

Literature cited by the submitters: PubMed 17576681; PubMed 9536098.